The following is an entry in ClinVar:

NM_001367624.2(ZNF469):c.3050C>G (p.Ala1017Gly)

Gene: ZNF469 (zinc finger protein 469; plus strand). Cytogenetic location: 16q24.2.
Variant type: single nucleotide variant.
Coding change: c.3050C>G on transcript NM_001367624.2 (MANE Select); coding-DNA position 3050, C replaced by G.
Protein change: p.Ala1017Gly; replaces alanine 1017 with glycine.
Molecular consequence: missense variant.
Genome position (GRCh38, 1-based): chr16:88,430,520, C>G. VCF-style: chr16-88430520-C-G. GRCh37 (hg19) VCF-style: chr16-88496928-C-G.
Other names: NM_001127464.1:c.3050C>G; short protein forms A1017G.
Identifiers: ClinVar variation 3232781 (VCV003232781.1), dbSNP rs2507581529, ClinGen allele CA397077032.
Genomic context (GRCh38, chr16:88,430,520, plus strand): 5'-CTAGAACGCAGGCCCCCGGGAGCCGCGCAGACCCCGCGCCCCGGGTCCCGAGAGCCGCCG[C>G]CCTCCCCGAGGAGACCCGCAGCTCCCGGCGCCGCCGGCTGCCCCCCAGGAAGGACCCCAG-3'
Protein context (NP_001354553.1, residues 1007-1027): DPAPRVPRAA[Ala1017Gly]LPEETRSSRR

ClinVar aggregate classification (germline): Uncertain significance (1 of 4 stars; one submission).

Conditions:
Cardiovascular phenotype. Identifiers: MedGen CN230736.

Submission:

Ambry Genetics
Classification: Uncertain significance for Cardiovascular phenotype. Last evaluated: 2024-02-28. Review status: criteria provided, single submitter. Criteria: Ambry Variant Classification Scheme 2023. Collection method: clinical testing. Allele origin: germline.
Comment: The p.A1017G variant (also known as c.3050C>G), located in coding exon 1 of the ZNF469 gene, results from a C to G substitution at nucleotide position 3050. The alanine at codon 1017 is replaced by glycine, an amino acid with similar properties. This amino acid position is conserved. In addition, this alteration is predicted to be tolerated by in silico analysis. Based on the available evidence, the clinical significance of this alteration remains unclear.